The following is an entry in ClinVar:

NM_001114753.3(ENG):c.1550_1551del (p.Val517fs)

Genes: ENG (endoglin; minus strand), LOC102723566 (uncharacterized LOC102723566; plus strand). Cytogenetic location: 9q34.11.
Variant type: Microsatellite.
Coding change: c.1550_1551del on transcript NM_001114753.3 (MANE Select); coding-DNA positions 1550 to 1551, 2 bases deleted (TG; older notation c.1550_1551delTG).
Protein change: p.Val517fs; shifts the reading frame from valine 517.
Molecular consequence: frameshift variant.
Genome position (GRCh38, 1-based): chr9:127,818,255-127,818,256, CA deleted on the plus strand (TG on the coding strand, the reverse complement: ENG is on the minus strand); deleting any 2 consecutive bases within chr9:127,818,255-127,818,260 gives the same sequence; the c. name uses the placement nearest the transcript's 3' end. VCF-style (leftmost placement, unchanged base first): chr9-127818254-TCA-T. GRCh37 (hg19) VCF-style: chr9-130580533-TCA-T.
Other names: p.Val517Glufs*10; c.1550_1551del (NM_001114753.2); c.1546_1547TG[2], p.Val517Glufs (NM_000118.4, NM_001114753.2); c.1004_1005del, p.Val335fs (NM_001278138.2); short protein forms V517fs, V335fs.
Identifiers: ClinVar variation 213215 (VCV000213215.12), dbSNP rs863223541, ClinGen allele CA321624.

ClinVar aggregate classification (germline): Pathogenic. Review status: criteria provided, multiple submitters, no conflicts (2 of 4 stars). 3 submissions from 3 submitters: Pathogenic (3). Last evaluated 2025-05-19.

Conditions:
Hereditary hemorrhagic telangiectasia (HHT). Also called: Osler hemorrhagic telangiectasia syndrome; ORW DISEASE; Osler Weber Rendu syndrome; OSLER-RENDU-WEBER DISEASE. Identifiers: Orphanet 774, MedGen C0039445, MONDO:0019180. Disease mechanism: loss of function.

Submissions (3):

Labcorp Genetics (formerly Invitae), Labcorp
Classification: Pathogenic for Hereditary hemorrhagic telangiectasia. Last evaluated: 2025-05-19. Review status: criteria provided, single submitter. Criteria: Invitae Variant Classification Sherloc (09022015). Collection method: clinical testing. Allele origin: germline.
Comment: This sequence change creates a premature translational stop signal (p.Val517Glufs*10) in the ENG gene. It is expected to result in an absent or disrupted protein product. Loss-of-function variants in ENG are known to be pathogenic (PMID: 15879500). This variant is not present in population databases (gnomAD no frequency). This premature translational stop signal has been observed in individual(s) with hereditary hemorrhagic telangiectasia (PMID: 8595426, 24603890). ClinVar contains an entry for this variant (Variation ID: 213215). For these reasons, this variant has been classified as Pathogenic.

Mayo Clinic Laboratories, Mayo Clinic
Classification: Pathogenic. Last evaluated: 2021-07-20. Review status: criteria provided, single submitter. Criteria: ACMG Guidelines, 2015. Collection method: clinical testing. Allele origin: germline.
Comment: PVS1, PS4_moderate, PM2

GeneDx
Classification: Pathogenic. Last evaluated: 2014-07-07. Review status: criteria provided, single submitter. Criteria: GeneDx Variant Classification (06012015). Collection method: clinical testing. Allele origin: germline. Affected: yes.
Comment: The c.1550_1551delTG mutation in the ENG gene has been reported previously in association with HHT (McAllister K et al., 1995; Olivieri C et al., 2007). The c.1550_1551delTG mutation was not observed in approximately 6,500 individuals of European and African American ancestry in the NHLBI Exome Sequencing Project, indicating it is not a common benign variant in these populations. This mutation causes a shift in reading frame starting at codon Valine 517, changing it to a Glutamic acid, and creating a premature stop codon at position 10 of the new reading frame, denoted p.Val517GlufsX10. This mutation is expected to result in either an abnormal, truncated protein product or loss of protein from this allele through nonsense-mediated mRNA decay. Other frameshift mutations in the ENG gene have been reported in association with HHT. In summary, c.1550_1551delTG in the ENG gene is interpreted as a disease-causing mutation.

Literature cited by the submitters: PubMed 15879500 (cited by Labcorp Genetics (formerly Invitae), Labcorp); PubMed 8595426 (cited by Labcorp Genetics (formerly Invitae), Labcorp and Mayo Clinic Laboratories, Mayo Clinic); PubMed 24603890 (cited by Labcorp Genetics (formerly Invitae), Labcorp and Mayo Clinic Laboratories, Mayo Clinic); PubMed 25892364 (cited by Mayo Clinic Laboratories, Mayo Clinic); PubMed 17786384 (cited by Mayo Clinic Laboratories, Mayo Clinic).